The following is an entry in ClinVar:

ClinVar aggregate classification (germline): Benign/Likely benign. Review status: criteria provided, multiple submitters, no conflicts (2 of 4 stars). 3 submissions from 3 submitters: Benign (1); Likely benign (1). 1 of the submissions does not count toward it. Last evaluated 2026-01-27.

Conditions:
KMT2D-related disorder. Also called: KMT2D-Related Disorders.
Kabuki syndrome. Also called: NIIKAWA-KUROKI SYNDROME; Kabuki make-up syndrome. Identifiers: Orphanet 2322, MedGen C0796004, MONDO:0016512.

Allele frequency attached by ClinVar (database versions not stated): TOPMed 0.00003; gnomAD 0.00002; gnomAD exomes below 0.00001.

Submissions (3):

Labcorp Genetics (formerly Invitae), Labcorp
Classification: Benign for Kabuki syndrome. Last evaluated: 2026-01-27. Review status: criteria provided, single submitter. Criteria: Invitae Variant Classification Sherloc (09022015). Collection method: clinical testing. Allele origin: germline.

Breakthrough Genomics
Classification: Likely benign. Review status: criteria provided, single submitter. Criteria: ACMG Guidelines, 2015. Collection method: not provided. Allele origin: germline. Inheritance: Autosomal dominant inheritance. Affected: yes.

PreventionGenetics, part of Exact Sciences
Classification: Likely benign for KMT2D-related condition. Last evaluated: 2021-10-21. Review status: no assertion criteria provided. Collection method: clinical testing. Allele origin: germline. Not counted in ClinVar's aggregate classification.
Comment: This variant is classified as likely benign based on ACMG/AMP sequence variant interpretation guidelines (Richards et al. 2015 PMID: 25741868, with internal and published modifications).

NM_003482.4(KMT2D):c.13836C>T (p.Thr4612=)

Gene: KMT2D (lysine methyltransferase 2D; minus strand). Cytogenetic location: 12q13.12.
Variant type: single nucleotide variant.
Coding change: c.13836C>T on transcript NM_003482.4 (MANE Select); coding-DNA position 13836, C replaced by T.
Protein change: p.Thr4612=; no amino-acid change (threonine 4612 retained).
Molecular consequence: synonymous variant.
Genome position (GRCh38, 1-based): chr12:49,030,604, G>A on the plus strand (C>T on the coding strand, the complement: KMT2D is on the minus strand). VCF-style: chr12-49030604-G-A. GRCh37 (hg19) VCF-style: chr12-49424387-G-A.
Identifiers: ClinVar variation 2725826 (VCV002725826.6), dbSNP rs974168095, ClinGen allele CA236637788.